The following is an entry in ClinVar:

NM_000152.5(GAA):c.1744G>A (p.Ala582Thr)

Gene: GAA (alpha glucosidase; plus strand). Cytogenetic location: 17q25.3.
Variant type: single nucleotide variant.
Coding change: c.1744G>A on transcript NM_000152.5 (MANE Select); coding-DNA position 1744, G replaced by A.
Protein change: p.Ala582Thr; replaces alanine 582 with threonine.
Molecular consequence: missense variant.
Genome position (GRCh38, 1-based): chr17:80,112,090, G>A. VCF-style: chr17-80112090-G-A. GRCh37 (hg19) VCF-style: chr17-78085889-G-A.
Other names: c.1744G>A, p.Ala582Thr (NM_001079803.3, NM_001079804.3); short protein forms A582T.
Identifiers: ClinVar variation 955517 (VCV000955517.11), dbSNP rs369098202, ClinGen allele CA8815446.

ClinVar aggregate classification (germline): Conflicting classifications of pathogenicity. Review status: criteria provided, conflicting classifications (1 of 4 stars). 4 submissions from 4 submitters: Likely pathogenic (1); Uncertain significance (2). 1 of the submissions does not count toward it. Last evaluated 2022-08-15.

Conditions:
Glycogen storage disease, type II (IOPD). Also called: CARDIOMEGALIA GLYCOGENICA DIFFUSA; Glycogen storage disease type 2; Acid maltase deficiency disease; Aglucosidase alfa; Deficiency of alpha-glucosidase; Deficiency of lysosomal alpha-glucosidase. Identifiers: Orphanet 365, MedGen C0017921, MONDO:0009290, OMIM 232300.

Allele frequency attached by ClinVar (database versions not stated): ExAC 0.00003.
gnomAD v4.1: 25 of 1,613,472 alleles (0.0015%); highest among the groups gnomAD compares: Middle Eastern, 0.016%; no homozygotes.

Submissions (4):

Labcorp Genetics (formerly Invitae), Labcorp
Classification: Uncertain significance for Glycogen storage disease, type II. Last evaluated: 2022-08-15. Review status: criteria provided, single submitter. Criteria: Invitae Variant Classification Sherloc (09022015). Collection method: clinical testing. Allele origin: germline.
Comment: This sequence change replaces alanine, which is neutral and non-polar, with threonine, which is neutral and polar, at codon 582 of the GAA protein (p.Ala582Thr). This variant is present in population databases (rs369098202, gnomAD 0.004%). This variant has not been reported in the literature in individuals affected with GAA-related conditions. ClinVar contains an entry for this variant (Variation ID: 955517). Advanced modeling of protein sequence and biophysical properties (such as structural, functional, and spatial information, amino acid conservation, physicochemical variation, residue mobility, and thermodynamic stability) performed at Invitae indicates that this missense variant is expected to disrupt GAA protein function. In summary, the available evidence is currently insufficient to determine the role of this variant in disease. Therefore, it has been classified as a Variant of Uncertain Significance.

Revvity Omics, Revvity
Classification: Uncertain significance. Last evaluated: 2019-06-05. Review status: criteria provided, single submitter. Criteria: ACMG Guidelines, 2015. Collection method: clinical testing. Allele origin: germline.

Kariminejad - Najmabadi Pathology & Genetics Center
Classification: Likely pathogenic for Glycogen storage disease, type II. Review status: criteria provided, single submitter. Criteria: ACMG Guidelines, 2015. Collection method: clinical testing. Allele origin: germline. Affected: no.

Natera, Inc.
Classification: Uncertain significance for Glycogen storage disease type II. Last evaluated: 2020-01-17. Review status: no assertion criteria provided. Collection method: clinical testing. Allele origin: germline. Not counted in ClinVar's aggregate classification.